The following is an entry in ClinVar:

ClinVar aggregate classification (germline): Benign/Likely benign. Review status: criteria provided, multiple submitters, no conflicts (2 of 4 stars). 2 submissions from 2 submitters: Benign (1); Likely benign (1). Last evaluated 2026-02-24.

Conditions:
KCNQ1-related disorder. Also called: KCNQ1-related condition; KCNQ1-related disorders. Identifiers: MedGen CN239322.

Allele frequency attached by ClinVar (database versions not stated): TOPMed 0.00071; 1000 Genomes Project 30x 0.00031; 1000 Genomes Project 0.00040; gnomAD 0.00052.
gnomAD v4.1: 136 of 398,706 alleles (0.034%); highest among the groups gnomAD compares: African/African-American, 0.15%; no homozygotes.

Submissions (2):

PreventionGenetics, part of Exact Sciences
Classification: Likely benign for KCNQ1-related condition. Last evaluated: 2026-02-24. Review status: criteria provided, single submitter. Criteria: ACMG Guidelines, 2015. Collection method: clinical testing. Allele origin: germline.
Comment: This variant is classified as likely benign based on ACMG/AMP sequence variant interpretation guidelines (Richards et al. 2015 PMID: 25741868, with internal and published modifications).

CeGaT Center for Human Genetics Tuebingen
Classification: Benign. Last evaluated: 2025-11-01. Review status: criteria provided, single submitter. Criteria: CeGaT Center For Human Genetics Tuebingen Variant Classification Criteria Version 2. Collection method: clinical testing. Allele origin: germline. Affected: yes. Observed: 6 variant alleles.
Comment: KCNQ1OT1: BS1, BS2

NM_000218.3(KCNQ1):c.1514+23745G>A

Genes: KCNQ1 (potassium voltage-gated channel subfamily Q member 1; plus strand), KCNQ1OT1 (KCNQ1 opposite strand/antisense transcript 1; minus strand). Cytogenetic location: 11p15.5.
Variant type: single nucleotide variant.
Coding change: c.1514+23745G>A on transcript NM_000218.3 (MANE Select); 23745 bases into the intron after coding-DNA position 1514, G replaced by A.
Molecular consequence: intron variant.
Genome position (GRCh38, 1-based): chr11:2,685,826, G>A. VCF-style: chr11-2685826-G-A. GRCh37 (hg19) VCF-style: chr11-2707056-G-A.
Other names: c.1514+23745G>A (NM_000218.2); c.1418+23745G>A (NM_001406836.1); c.974+23745G>A (NM_001406838.1); c.1133+23745G>A (NM_181798.2); c.1244+23745G>A (NM_001406837.1).
Identifiers: ClinVar variation 2498496 (VCV002498496.29), dbSNP rs139568424, ClinGen allele CA216188450.